The following is an entry in ClinVar:

ClinVar aggregate classification (germline): Uncertain significance (1 of 4 stars; one submission).

Submission:

GeneDx
Classification: Uncertain significance. Last evaluated: 2023-12-02. Review status: criteria provided, single submitter. Criteria: GeneDx Variant Classification Process June 2021. Collection method: clinical testing. Allele origin: germline. Affected: yes.
Comment: Not observed at significant frequency in large population cohorts (gnomAD); In silico analysis supports that this missense variant does not alter protein structure/function; Has not been previously published as pathogenic or benign to our knowledge

NM_001042681.2(RERE):c.2368G>T (p.Ala790Ser)

Gene: RERE (arginine-glutamic acid dipeptide repeats; minus strand). Cytogenetic location: 1p36.23.
Variant type: single nucleotide variant.
Coding change: c.2368G>T on transcript NM_001042681.2 (MANE Select); coding-DNA position 2368, G replaced by T.
Protein change: p.Ala790Ser; replaces alanine 790 with serine.
Molecular consequence: missense variant.
Genome position (GRCh38, 1-based): chr1:8,361,139, C>A on the plus strand (G>T on the coding strand, the complement: RERE is on the minus strand). VCF-style: chr1-8361139-C-A. GRCh37 (hg19) VCF-style: chr1-8421199-C-A.
Other names: c.706G>T, p.Ala236Ser (NM_001042682.2); c.2368G>T, p.Ala790Ser (NM_012102.4); short protein forms A236S, A790S.
Identifiers: ClinVar variation 3365000 (VCV003365000.1).
Genomic context (GRCh38, chr1:8,361,139, plus strand): 5'-GCTGGGGGTGCAAGGCCGGTGCCTGTTGGATGTGGGTGTGGGGAACAGGCGCTGTGGGAG[C>A]CTGTGGCTGGTTAGGGGCCTGGGAGGCCGTGGGGGAGCCCTGTGGGGGAACTGCAGTGGC-3'
Protein context (NP_001036146.1, residues 780-800): TASQAPNQPQ[Ala790Ser]PTAPVPHTHI